The following is an entry in ClinVar:

ClinVar aggregate classification (germline): Uncertain significance (1 of 4 stars; one submission).

Conditions:
RYR1-related disorder. Also called: RYR1-related condition; RYR1-related disorders. Identifiers: MedGen CN239331.

Allele frequency attached by ClinVar (database versions not stated): gnomAD exomes below 0.00001.

Submission:

Labcorp Genetics (formerly Invitae), Labcorp
Classification: Uncertain significance for RYR1-related disorder. Last evaluated: 2024-01-24. Review status: criteria provided, single submitter. Criteria: Invitae Variant Classification Sherloc (09022015). Collection method: clinical testing. Allele origin: germline.
Comment: This sequence change falls in intron 66 of the RYR1 gene. It does not directly change the encoded amino acid sequence of the RYR1 protein. It affects a nucleotide within the consensus splice site. This variant is not present in population databases (gnomAD no frequency). This variant has not been reported in the literature in individuals affected with RYR1-related conditions. Variants that disrupt the consensus splice site are a relatively common cause of aberrant splicing (PMID: 17576681, 9536098). Algorithms developed to predict the effect of sequence changes on RNA splicing suggest that this variant is not likely to affect RNA splicing. In summary, the available evidence is currently insufficient to determine the role of this variant in disease. Therefore, it has been classified as a Variant of Uncertain Significance.

Literature cited by the submitters: PubMed 17576681; PubMed 9536098.

NM_000540.3(RYR1):c.10019-3C>T

Gene: RYR1 (ryanodine receptor 1; plus strand). Cytogenetic location: 19q13.2.
Variant type: single nucleotide variant.
Coding change: c.10019-3C>T on transcript NM_000540.3 (MANE Select); 3 bases into the intron before coding-DNA position 10019, C replaced by T.
Molecular consequence: intron variant.
Genome position (GRCh38, 1-based): chr19:38,519,211, C>T. VCF-style: chr19-38519211-C-T. GRCh37 (hg19) VCF-style: chr19-39009851-C-T.
Other names: c.10019-3C>T (NM_001042723.2).
Identifiers: ClinVar variation 2711125 (VCV002711125.3), dbSNP rs2514442726, ClinGen allele CA2584904102.